The following is an entry in ClinVar:

ClinVar aggregate classification (germline): Likely pathogenic (1 of 4 stars; one submission).

Conditions:
alpha Thalassemia. Also called: Alpha thalassemia spectrum. Identifiers: Orphanet 846, MedGen C0002312, MONDO:0011399, OMIM 604131.

Submission:

Natera, Inc.
Classification: Likely pathogenic for Alpha thalassemia. Last evaluated: 2025-11-12. Review status: criteria provided, single submitter. Criteria: Natera Variant Classification Schema (03/2026). Collection method: clinical testing. Allele origin: germline.
Comment: The c.344_345dupCC variant in HBA2 is a frameshift variant predicted to shift the reading frame beginning at codon 116 and leads to a stop codon 19 codons downstream. This variant is expected to result in nonsense mediated decay, truncation, or a dysfunctional protein product. This variant is rare in the general population with a frequency below the threshold expected for the associated phenotype(s). Given the available evidence, this variant is classified as Likely Pathogenic.

NM_000517.6(HBA2):c.344_345dup (p.Ala116fs)

Genes: HBA2 (hemoglobin subunit alpha 2; plus strand), LOC106804612 (hemoglobin subunit alpha 2 recombination region; plus strand). Cytogenetic location: 16p13.3.
Variant type: Duplication.
Coding change: c.344_345dup on transcript NM_000517.6 (MANE Select); coding-DNA positions 344 to 345, 2 bases duplicated (CC; older notation c.344_345dupCC).
Protein change: p.Ala116fs; shifts the reading frame from alanine 116.
Molecular consequence: frameshift variant.
Genome position (GRCh38, 1-based): chr16:173,515-173,516, CC duplicated; duplicating any 2 consecutive bases within chr16:173,513-173,516 gives the same sequence; the c. name uses the placement nearest the transcript's 3' end. VCF-style (leftmost placement, unchanged base first): chr16-173512-T-TCC. GRCh37 (hg19) VCF-style: chr16-223511-T-TCC.
Other names: short protein forms A116fs.
Identifiers: ClinVar variation 4818666 (VCV004818666.1).
Genomic context (GRCh38, chr16:173,512, plus strand): 5'-TGACCCTCTTCTCTGCACAGCTCCTAAGCCACTGCCTGCTGGTGACCCTGGCCGCCCACC[T>TCC]CCCCGCCGAGTTCACCCCTGCGGTGCACGCCTCCCTGGACAAGTTCCTGGCTTCTGTGAG-3'